The following is an entry in ClinVar:

NM_000388.4(CASR):c.3118C>G (p.Gln1040Glu)

Gene: CASR (calcium sensing receptor; plus strand). Cytogenetic location: 3q21.1.
Variant type: single nucleotide variant.
Coding change: c.3118C>G on transcript NM_000388.4 (MANE Select); coding-DNA position 3118, C replaced by G.
Protein change: p.Gln1040Glu; replaces glutamine 1040 with glutamic acid.
Molecular consequence: missense variant.
Genome position (GRCh38, 1-based): chr3:122,285,072, C>G. VCF-style: chr3-122285072-C-G. GRCh37 (hg19) VCF-style: chr3-122003919-C-G.
Other names: c.3148C>G, p.Gln1050Glu (NM_001178065.2); short protein forms Q1050E, Q1040E.
Identifiers: ClinVar variation 936676 (VCV000936676.13), dbSNP rs1007139212, ClinGen allele CA82749561.

ClinVar aggregate classification (germline): Uncertain significance. Review status: criteria provided, multiple submitters, no conflicts (2 of 4 stars). 3 submissions from 3 submitters: Uncertain significance (3). Last evaluated 2025-08-11.

Conditions:
Autosomal dominant hypocalcemia 1 (HYPOC1). Also called: HYPOCALCEMIA, FAMILIAL. Identifiers: MedGen C3715128, MONDO:0011013, OMIM 601198.
Familial hypocalciuric hypercalcemia (FHH). Also called: Familial benign hypercalcemia. Identifiers: Orphanet 405, MedGen C1809471, MONDO:0018458.
Familial hypocalciuric hypercalcemia 1. Also called: Hypercalcemia, familial benign type 1. Identifiers: Orphanet 405, Orphanet 93372, MedGen C0342637, MONDO:0007791, OMIM 145980.
Epilepsy, idiopathic generalized, susceptibility to, 8. Identifiers: MedGen C2752062, MONDO:0013032, OMIM 612899.
Neonatal severe primary hyperparathyroidism. Identifiers: Orphanet 417, MedGen C1832615, MONDO:0009397, OMIM 239200.

Allele frequency attached by ClinVar (database versions not stated): TOPMed 0.00001; gnomAD 0.00003.
gnomAD v4.1: 7 of 1,614,086 alleles (0.00043%); highest among the groups gnomAD compares: African/African-American, 0.0093%; no homozygotes.

Submissions (3):

Dasa
Classification: Uncertain significance. Last evaluated: 2025-08-11. Review status: criteria provided, single submitter. Criteria: DASA Assertion Criteria. Collection method: clinical testing. Allele origin: germline.
Comment: NM_000388.4(CASR):c.3118C>G (p.Gln1040Glu) is a missense variant that results in the substitution of glutamine with glutamic acid. This variant is rare in population databases. The currently available literature and clinical evidence are not sufficient to establish a definitive association between this variant and the reported condition. Therefore, this variant is classified as a variant of uncertain significance.

Labcorp Genetics (formerly Invitae), Labcorp
Classification: Uncertain significance for Familial hypocalciuric hypercalcemia; Autosomal dominant hypocalcemia 1. Last evaluated: 2022-09-27. Review status: criteria provided, single submitter. Criteria: Invitae Variant Classification Sherloc (09022015). Collection method: clinical testing. Allele origin: germline.
Comment: In summary, the available evidence is currently insufficient to determine the role of this variant in disease. Therefore, it has been classified as a Variant of Uncertain Significance. Algorithms developed to predict the effect of missense changes on protein structure and function (SIFT, PolyPhen-2, Align-GVGD) all suggest that this variant is likely to be tolerated. ClinVar contains an entry for this variant (Variation ID: 936676). This variant has not been reported in the literature in individuals affected with CASR-related conditions. This variant is present in population databases (no rsID available, gnomAD 0.01%). This sequence change replaces glutamine, which is neutral and polar, with glutamic acid, which is acidic and polar, at codon 1040 of the CASR protein (p.Gln1040Glu).

Fulgent Genetics
Classification: Uncertain significance for Familial hypocalciuric hypercalcemia 1; Neonatal severe primary hyperparathyroidism; Autosomal dominant hypocalcemia 1; Epilepsy, idiopathic generalized, susceptibility to, 8. Last evaluated: 2022-04-18. Review status: criteria provided, single submitter. Criteria: ACMG Guidelines, 2015. Collection method: clinical testing. Allele origin: unknown.